The following is an entry in ClinVar:

NM_003001.5(SDHC):c.136A>C (p.Ile46Leu)

Gene: SDHC (succinate dehydrogenase complex subunit C; plus strand). Cytogenetic location: 1q23.3.
Variant type: single nucleotide variant.
Coding change: c.136A>C on transcript NM_003001.5 (MANE Select); coding-DNA position 136, A replaced by C.
Protein change: p.Ile46Leu; replaces isoleucine 46 with leucine.
Molecular consequence: missense variant. On other transcripts: non-coding transcript variant (1), intron variant (4).
Genome position (GRCh38, 1-based): chr1:161,328,454, A>C. VCF-style: chr1-161328454-A-C. GRCh37 (hg19) VCF-style: chr1-161298244-A-C.
Other names: c.136A>C, p.Ile46Leu (NM_001035511.3, NM_001407115.1); c.79A>C, p.Ile27Leu (NM_001407116.1, NM_001407117.1, NM_001407121.1); c.25A>C, p.Ile9Leu (NM_001407119.1, NM_001407120.1); c.77+4784A>C (NM_001035512.3, NM_001278172.3, NM_001407118.1); c.21-12140A>C (NM_001035513.3); short protein forms I46L, I27L, I9L.
Identifiers: ClinVar variation 5029320 (VCV005029320.1).
Genomic context (GRCh38, chr1:161,328,454, plus strand): 5'-AGTGCTGTTCCTTTGGGAACCACGGCCAAAGAAGAGATGGAGCGGTTCTGGAATAAGAAT[A>C]TAGGTTCAAACCGTCCTCTGTCTCCCCACATTACTATCTACAGGTAAGGAAGGATTCTGG-3'
Protein context (NP_002992.1, residues 36-56): EEMERFWNKN[Ile46Leu]GSNRPLSPHI

ClinVar aggregate classification (germline): Uncertain significance (1 of 4 stars; one submission).

Conditions:
Hereditary cancer-predisposing syndrome. Also called: Neoplastic Syndromes, Hereditary; Tumor predisposition; Hereditary neoplastic syndrome; Hereditary Cancer Syndrome. Identifiers: Orphanet 140162, MedGen C0027672, MeSH D009386, MONDO:0015356.

Submission:

Ambry Genetics
Classification: Uncertain significance for Hereditary cancer-predisposing syndrome. Last evaluated: 2026-07-07. Review status: criteria provided, single submitter. Criteria: Ambry Variant Classification Scheme 2023. Collection method: clinical testing. Allele origin: germline.
Comment: The p.I46L variant (also known as c.136A>C), located in coding exon 3 of the SDHC gene, results from an A to C substitution at nucleotide position 136. The isoleucine at codon 46 is replaced by leucine, an amino acid with highly similar properties. This amino acid position is conserved. In addition, this alteration is predicted to be tolerated by in silico analysis. Based on the available evidence, the clinical significance of this variant remains unclear.